The following is an entry in ClinVar:

ClinVar aggregate classification (germline): Pathogenic (1 of 4 stars; one submission).

Conditions:
Retinoblastoma (RB1). Also called: RETINOBLASTOMA, SOMATIC. Identifiers: Orphanet 790, MedGen C0035335, MeSH D012175, MONDO:0008380, OMIM 180200, HP:0009919. Disease mechanism: loss of function. Inheritance: Both sporadic and heritable forms are tested..

Submission:

Labcorp Genetics (formerly Invitae), Labcorp
Classification: Pathogenic for Retinoblastoma. Last evaluated: 2022-01-27. Review status: criteria provided, single submitter. Criteria: Invitae Variant Classification Sherloc (09022015). Collection method: clinical testing. Allele origin: germline.
Comment: For these reasons, this variant has been classified as Pathogenic. Algorithms developed to predict the effect of sequence changes on RNA splicing suggest that this variant may disrupt the consensus splice site. Disruption of this splice site has been observed in individual(s) with retinoblastoma (PMID: 30636860; Invitae). This variant is not present in population databases (gnomAD no frequency). This sequence change affects a donor splice site in intron 9 of the RB1 gene. It is expected to disrupt RNA splicing. Variants that disrupt the donor or acceptor splice site typically lead to a loss of protein function (PMID: 16199547), and loss-of-function variants in RB1 are known to be pathogenic (PMID: 17096365).

Literature cited by the submitters: PubMed 30636860; PubMed 16199547; PubMed 17096365.

NM_000321.3(RB1):c.939+1G>C

Gene: RB1 (RB transcriptional corepressor 1; plus strand). Cytogenetic location: 13q14.2.
Variant type: single nucleotide variant.
Coding change: c.939+1G>C on transcript NM_000321.3 (MANE Select); the canonical splice donor site of the intron after coding-DNA position 939, G replaced by C.
Molecular consequence: splice donor variant.
Genome position (GRCh38, 1-based): chr13:48,364,972, G>C. VCF-style: chr13-48364972-G-C. GRCh37 (hg19) VCF-style: chr13-48939108-G-C.
Other names: c.939+1G>C (NM_001407165.1, NM_001407166.1).
Identifiers: ClinVar variation 1422189 (VCV001422189.8), dbSNP rs2138116708, ClinGen allele CA388160106.